The following is an entry in ClinVar:

ClinVar aggregate classification (germline): Pathogenic (1 of 4 stars; one submission).

Submission:

Labcorp Genetics (formerly Invitae), Labcorp
Classification: Pathogenic. Last evaluated: 2023-08-10. Review status: criteria provided, single submitter. Criteria: Invitae Variant Classification Sherloc (09022015). Collection method: clinical testing. Allele origin: germline.
Comment: This variant is a gross deletion of the genomic region encompassing exon(s) 10-67 of the ADGRV1 gene. This variant would be expected to be in-frame, preserving the integrity of the reading frame. This variant has not been reported in the literature in individuals affected with ADGRV1-related conditions. For these reasons, this variant has been classified as Pathogenic. This variant disrupts a region of the ADGRV1 protein in which other variant(s) (p.Arg2377Gln) have been determined to be pathogenic (PMID: 26338283, 33089500). This suggests that this is a clinically significant region of the protein, and that variants that disrupt it are likely to be disease-causing.

Literature cited by the submitters: PubMed 26338283; PubMed 33089500.

NC_000005.9:g.(?_89930911)_(90079894_?)del

Gene: ADGRV1 (adhesion G protein-coupled receptor V1; plus strand). Cytogenetic location: 5q14.3.
Variant type: Deletion.
Identifiers: ClinVar variation 2427010 (VCV002427010.3).